The following is an entry in ClinVar:

NM_007347.5(AP4E1):c.2446T>C (p.Ser816Pro)

Gene: AP4E1 (adaptor related protein complex 4 subunit epsilon 1; plus strand). Cytogenetic location: 15q21.2.
Variant type: single nucleotide variant.
Coding change: c.2446T>C on transcript NM_007347.5 (MANE Select); coding-DNA position 2446, T replaced by C.
Protein change: p.Ser816Pro; replaces serine 816 with proline.
Molecular consequence: missense variant.
Genome position (GRCh38, 1-based): chr15:50,997,425, T>C. VCF-style: chr15-50997425-T-C. GRCh37 (hg19) VCF-style: chr15-51289622-T-C.
Other names: c.2221T>C, p.Ser741Pro (NM_001252127.2); short protein forms S741P, S816P.
Identifiers: ClinVar variation 1714519 (VCV001714519.5), dbSNP rs2504924597, ClinGen allele CA392419986.

ClinVar aggregate classification (germline): Uncertain significance (1 of 4 stars; one submission).

Conditions:
Spastic paraplegia. Identifiers: MedGen C0037772, HP:0001258.

Submission:

Labcorp Genetics (formerly Invitae), Labcorp
Classification: Uncertain significance for Spastic paraplegia. Last evaluated: 2022-08-19. Review status: criteria provided, single submitter. Criteria: Invitae Variant Classification Sherloc (09022015). Collection method: clinical testing. Allele origin: germline.
Comment: In summary, the available evidence is currently insufficient to determine the role of this variant in disease. Therefore, it has been classified as a Variant of Uncertain Significance. Algorithms developed to predict the effect of missense changes on protein structure and function output the following: SIFT: "Deleterious"; PolyPhen-2: "Benign"; Align-GVGD: "Class C0". The proline amino acid residue is found in multiple mammalian species, which suggests that this missense change does not adversely affect protein function. This variant has not been reported in the literature in individuals affected with AP4E1-related conditions. This variant is not present in population databases (gnomAD no frequency). This sequence change replaces serine, which is neutral and polar, with proline, which is neutral and non-polar, at codon 816 of the AP4E1 protein (p.Ser816Pro).